The following is an entry in ClinVar:

NM_005236.3(ERCC4):c.889T>A (p.Tyr297Asn)

Gene: ERCC4 (ERCC excision repair 4, endonuclease catalytic subunit; plus strand). Cytogenetic location: 16p13.12.
Variant type: single nucleotide variant.
Coding change: c.889T>A on transcript NM_005236.3 (MANE Select); coding-DNA position 889, T replaced by A.
Protein change: p.Tyr297Asn; replaces tyrosine 297 with asparagine.
Molecular consequence: missense variant.
Genome position (GRCh38, 1-based): chr16:13,930,806, T>A. VCF-style: chr16-13930806-T-A. GRCh37 (hg19) VCF-style: chr16-14024663-T-A.
Other names: short protein forms Y297N.
Identifiers: ClinVar variation 408563 (VCV000408563.9), dbSNP rs778480216, ClinGen allele CA7910298.

ClinVar aggregate classification (germline): Uncertain significance. Review status: criteria provided, multiple submitters, no conflicts (2 of 4 stars). 2 submissions from 2 submitters: Uncertain significance (2). Last evaluated 2025-06-07.

Conditions:
Inborn genetic diseases. Identifiers: MedGen C0950123, MeSH D030342.
Xeroderma pigmentosum, group F (XPF). Also called: XERODERMA PIGMENTOSUM, COMPLEMENTATION GROUP F; XERODERMA PIGMENTOSUM VI; XP, GROUP F; ERCC4-Related Xeroderma Pigmentosum; XERODERMA PIGMENTOSUM, TYPE F; Xeroderma pigmentosum, type 6. Identifiers: MedGen C0268140, MONDO:0010215, OMIM 278760.
Cockayne syndrome. Identifiers: Orphanet 191, MedGen C0009207, MONDO:0016006.
Fanconi anemia complementation group Q. Identifiers: Orphanet 84, MedGen C3808988, MONDO:0014108, OMIM 615272.

Allele frequency attached by ClinVar (database versions not stated): gnomAD exomes below 0.00001; ExAC 0.00001.

Submissions (2):

Ambry Genetics
Classification: Uncertain significance for Inborn genetic diseases. Last evaluated: 2025-06-07. Review status: criteria provided, single submitter. Criteria: Ambry Variant Classification Scheme 2023. Collection method: clinical testing. Allele origin: germline.

Labcorp Genetics (formerly Invitae), Labcorp
Classification: Uncertain significance for Fanconi anemia complementation group Q; Xeroderma pigmentosum, group F; Cockayne syndrome. Last evaluated: 2016-11-04. Review status: criteria provided, single submitter. Criteria: Invitae Variant Classification Sherloc (09022015). Collection method: clinical testing. Allele origin: germline.
Comment: In summary, this variant is a rare missense change with uncertain impact on protein function. There is no indication that it causes disease, but the available evidence is currently insufficient to prove that conclusively. Therefore, it has been classified as a Variant of Uncertain Significance. Algorithms developed to predict the effect of missense changes on protein structure and function do not agree on the potential impact of this missense change (SIFT: "Tolerated"; PolyPhen-2: "Probably Damaging"; Align-GVGD: "Class C0"). This variant is present in population databases (rs778480216, ExAC 0.002%) but has not been reported in the literature in individuals with an ERCC4-related disease. This sequence change replaces tyrosine with asparagine at codon 297 of the ERCC4 protein (p.Tyr297Asn). The tyrosine residue is moderately conserved and there is a large physicochemical difference between tyrosine and asparagine.